The following is an entry in ClinVar:

NM_001114134.2(EPB42):c.1964C>T (p.Thr655Met)

Gene: EPB42 (erythrocyte membrane protein band 4.2; minus strand). Cytogenetic location: 15q15.2.
Variant type: single nucleotide variant.
Coding change: c.1964C>T on transcript NM_001114134.2 (MANE Select); coding-DNA position 1964, C replaced by T.
Protein change: p.Thr655Met; replaces threonine 655 with methionine.
Molecular consequence: missense variant.
Genome position (GRCh38, 1-based): chr15:43,197,414, G>A on the plus strand (C>T on the coding strand, the complement: EPB42 is on the minus strand). VCF-style: chr15-43197414-G-A. GRCh37 (hg19) VCF-style: chr15-43489612-G-A.
Other names: p.Thr685Met; c.2054C>T, p.Thr685Met (NM_000119.3); short protein forms T655M, T685M.
Identifiers: ClinVar variation 884367 (VCV000884367.6), dbSNP rs369127523, ClinGen allele CA7520160.
Genomic context (GRCh38, chr15:43,197,414, plus strand): 5'-TTCTGGAACATGTTGCAGTCCACTTCCACAGTGAGTCTCTGGAGCCCCACATGTGTTGGC[G>A]TGAACTGGAACTTGGCACACATGGTGTTTTCAGGCCACACTGAACGGAATCTGAAATAAA-3'
Protein context (NP_001107606.1, residues 645-665): ENTMCAKFQF[Thr655Met]PTHVGLQRLT

ClinVar aggregate classification (germline): Uncertain significance. Review status: criteria provided, multiple submitters, no conflicts (2 of 4 stars). 3 submissions from 3 submitters: Uncertain significance (3). Last evaluated 2024-06-07.

Conditions:
Hereditary spherocytosis type 5. Also called: EPB42-Related Spherocytosis; EPB42-Related Hereditary Spherocytosis. Identifiers: Orphanet 822, MedGen C2675192, MONDO:0012985, OMIM 612690.

Allele frequency attached by ClinVar (database versions not stated): ExAC 0.00002; gnomAD 0.00003; gnomAD exomes 0.00003; TOPMed 0.00005; ESP Exome Variant Server 0.00008.
gnomAD v4.1: 50 of 1,614,044 alleles (0.0031%); highest among the groups gnomAD compares: African/African-American, 0.0067%; no homozygotes.

Submissions (3):

Blueprint Genetics
Classification: Uncertain significance. Last evaluated: 2024-06-07. Review status: criteria provided, single submitter. Criteria: ACMG Guidelines, 2015. Collection method: clinical testing. Allele origin: germline.

Mayo Clinic Laboratories, Mayo Clinic
Classification: Uncertain significance. Last evaluated: 2022-07-25. Review status: criteria provided, single submitter. Criteria: ACMG Guidelines, 2015. Collection method: clinical testing. Allele origin: germline. Observed: 1 variant allele.
Comment: PM2

Illumina Laboratory Services, Illumina
Classification: Uncertain significance for Hereditary spherocytosis type 5. Last evaluated: 2018-01-13. Review status: criteria provided, single submitter. Criteria: ICSL Variant Classification Criteria 13 December 2019. Collection method: clinical testing. Allele origin: germline.